The following is an entry in ClinVar:

NM_001129.5(AEBP1):c.718G>A (p.Glu240Lys)

Gene: AEBP1 (AE binding protein 1; plus strand). Cytogenetic location: 7p13.
Variant type: single nucleotide variant.
Coding change: c.718G>A on transcript NM_001129.5 (MANE Select); coding-DNA position 718, G replaced by A.
Protein change: p.Glu240Lys; replaces glutamic acid 240 with lysine.
Molecular consequence: missense variant.
Genome position (GRCh38, 1-based): chr7:44,107,679, G>A. VCF-style: chr7-44107679-G-A. GRCh37 (hg19) VCF-style: chr7-44147278-G-A.
Other names: c.718G>A (NM_001129.4); short protein forms E240K.
Identifiers: ClinVar variation 1389494 (VCV001389494.6), dbSNP rs771478590, ClinGen allele CA4237585.
Genomic context (GRCh38, chr7:44,107,679, plus strand): 5'-TTCCCCTCAGAGCCGGAGGAGGAGACCGAGCAACCCACACTGGACTACAATGACCAGATC[G>A]AGAGGGAGGACTATGAGGACTGTGAGTAGGGTCCTGCCAGCCCCACCTGGGTCGGACCCC-3'
Protein context (NP_001120.3, residues 230-250): QPTLDYNDQI[Glu240Lys]REDYEDFEYI

ClinVar aggregate classification (germline): Uncertain significance. Review status: criteria provided, multiple submitters, no conflicts (2 of 4 stars). 2 submissions from 2 submitters: Uncertain significance (2). Last evaluated 2026-02-05.

Allele frequency attached by ClinVar (database versions not stated): ExAC 0.00001; gnomAD 0.00003 and 0.00004; gnomAD exomes 0.00001; TOPMed 0.00003.
gnomAD v4.1: 29 of 1,613,564 alleles (0.0018%); highest among the groups gnomAD compares: Middle Eastern, 0.016%; no homozygotes.

Submissions (2):

GeneDx
Classification: Uncertain significance. Last evaluated: 2026-02-05. Review status: criteria provided, single submitter. Criteria: GeneDx Variant Classification Process June 2021. Collection method: clinical testing. Allele origin: germline.
Comment: Not observed at significant frequency in large population cohorts (gnomAD); In silico analysis supports that this missense variant has a deleterious effect on protein structure/function; Has not been previously published as pathogenic or benign to our knowledge

Labcorp Genetics (formerly Invitae), Labcorp
Classification: Uncertain significance. Last evaluated: 2022-06-27. Review status: criteria provided, single submitter. Criteria: Invitae Variant Classification Sherloc (09022015). Collection method: clinical testing. Allele origin: germline.
Comment: This sequence change replaces glutamic acid, which is acidic and polar, with lysine, which is basic and polar, at codon 240 of the AEBP1 protein (p.Glu240Lys). This variant is present in population databases (rs771478590, gnomAD 0.002%). This variant has not been reported in the literature in individuals affected with AEBP1-related conditions. Algorithms developed to predict the effect of missense changes on protein structure and function are either unavailable or do not agree on the potential impact of this missense change (SIFT: "Tolerated"; PolyPhen-2: "Probably Damaging"; Align-GVGD: "Class C0"). In summary, the available evidence is currently insufficient to determine the role of this variant in disease. Therefore, it has been classified as a Variant of Uncertain Significance.